The following is an entry in ClinVar:

ClinVar aggregate classification (germline): Conflicting classifications of pathogenicity. Review status: criteria provided, conflicting classifications (1 of 4 stars). 2 submissions from 2 submitters: Uncertain significance (1); Likely benign (1). Last evaluated 2024-09-14.

Conditions:
Cardiovascular phenotype. Identifiers: MedGen CN230736.

Allele frequency attached by ClinVar (database versions not stated): gnomAD exomes 0.00001; gnomAD 0.00013; TOPMed 0.00020.

Submissions (2):

Labcorp Genetics (formerly Invitae), Labcorp
Classification: Uncertain significance. Last evaluated: 2024-09-14. Review status: criteria provided, single submitter. Criteria: Invitae Variant Classification Sherloc (09022015). Collection method: clinical testing. Allele origin: germline.
Comment: This sequence change replaces leucine, which is neutral and non-polar, with proline, which is neutral and non-polar, at codon 488 of the ZNF469 protein (p.Leu488Pro). This variant is present in population databases (no rsID available, gnomAD 0.1%). This variant has not been reported in the literature in individuals affected with ZNF469-related conditions. ClinVar contains an entry for this variant (Variation ID: 1773205). An algorithm developed to predict the effect of missense changes on protein structure and function (PolyPhen-2) suggests that this variant is likely to be disruptive. In summary, the available evidence is currently insufficient to determine the role of this variant in disease. Therefore, it has been classified as a Variant of Uncertain Significance.

Ambry Genetics
Classification: Likely benign for Cardiovascular phenotype. Last evaluated: 2022-10-09. Review status: criteria provided, single submitter. Criteria: Ambry Variant Classification Scheme 2023. Collection method: clinical testing. Allele origin: germline.

NM_001367624.2(ZNF469):c.1463T>C (p.Leu488Pro)

Gene: ZNF469 (zinc finger protein 469; plus strand). Cytogenetic location: 16q24.2.
Variant type: single nucleotide variant.
Coding change: c.1463T>C on transcript NM_001367624.2 (MANE Select); coding-DNA position 1463, T replaced by C.
Protein change: p.Leu488Pro; replaces leucine 488 with proline.
Molecular consequence: missense variant.
Genome position (GRCh38, 1-based): chr16:88,428,933, T>C. VCF-style: chr16-88428933-T-C. GRCh37 (hg19) VCF-style: chr16-88495341-T-C.
Other names: NM_001127464.1:c.1463T>C; short protein forms L488P.
Identifiers: ClinVar variation 1773205 (VCV001773205.4), dbSNP rs1056103582, ClinGen allele CA286372745.
Genomic context (GRCh38, chr16:88,428,933, plus strand): 5'-CCAGCCCAGGCCAGCGGCTCTGCCTCCCCCAGAGTGCCCCCCTGCCTTGGCCCCAAGTGC[T>C]CCCGACCGCCCGGCCAAGTCCCCACGGAATGGAGATGCTGAGCCGGCTGCCTTTCCCCGC-3'
Protein context (NP_001354553.1, residues 478-498): QSAPLPWPQV[Leu488Pro]PTARPSPHGM